The following is an entry in ClinVar:

NM_001127178.3(PIGG):c.979C>G (p.Pro327Ala)

Gene: PIGG (phosphatidylinositol glycan anchor biosynthesis class G (EMM blood group); plus strand). Cytogenetic location: 4p16.3.
Variant type: single nucleotide variant.
Coding change: c.979C>G on transcript NM_001127178.3 (MANE Select); coding-DNA position 979, C replaced by G.
Protein change: p.Pro327Ala; replaces proline 327 with alanine.
Molecular consequence: missense variant. On other transcripts: 5 prime UTR variant (4), non-coding transcript variant (10).
Genome position (GRCh38, 1-based): chr4:516,050, C>G. VCF-style: chr4-516050-C-G. GRCh37 (hg19) VCF-style: chr4-509839-C-G.
Other names: c.712C>G, p.Pro238Ala (NM_001289051.2, NM_001289053.2, NM_001289057.2 and 2 more transcripts); c.580C>G, p.Pro194Ala (NM_001289052.2); c.613C>G, p.Pro205Ala (NM_001289055.2); c.-51C>G (NM_001345988.2); c.979C>G, p.Pro327Ala (NM_001345989.2, NM_017733.5); c.-647C>G (NM_001345990.2); c.-509C>G (NM_001345991.2); c.-234C>G (NM_001345994.2); short protein forms P327A, P205A, P238A, P194A.
Identifiers: ClinVar variation 542891 (VCV000542891.4), dbSNP rs773467896, ClinGen allele CA2793170.

ClinVar aggregate classification (germline): Uncertain significance (1 of 4 stars; one submission).

Conditions:
Intellectual disability, autosomal recessive 53 (NEDHSCA). Also called: NEURODEVELOPMENTAL DISORDER WITH OR WITHOUT HYPOTONIA, SEIZURES, AND CEREBELLAR ATROPHY; GLYCOSYLPHOSPHATIDYLINOSITOL BIOSYNTHESIS DEFECT 13; Mental retardation, autosomal recessive 53. Identifiers: Orphanet 488635, MedGen C4310794, MONDO:0014832, OMIM 616917.

Allele frequency attached by ClinVar (database versions not stated): gnomAD exomes 0.00002 and 0.00011; gnomAD 0.00005 and 0.00006; ExAC 0.00008; TOPMed 0.00012.
gnomAD v4.1: 38 of 1,614,020 alleles (0.0024%); highest among the groups gnomAD compares: East Asian, 0.082%; no homozygotes.

Submission:

Labcorp Genetics (formerly Invitae), Labcorp
Classification: Uncertain significance for Intellectual disability, autosomal recessive 53. Last evaluated: 2022-08-23. Review status: criteria provided, single submitter. Criteria: Invitae Variant Classification Sherloc (09022015). Collection method: clinical testing. Allele origin: germline.
Comment: This sequence change replaces proline, which is neutral and non-polar, with alanine, which is neutral and non-polar, at codon 327 of the PIGG protein (p.Pro327Ala). This variant is present in population databases (rs773467896, gnomAD 0.2%). This variant has not been reported in the literature in individuals affected with PIGG-related conditions. ClinVar contains an entry for this variant (Variation ID: 542891). Algorithms developed to predict the effect of missense changes on protein structure and function are either unavailable or do not agree on the potential impact of this missense change (SIFT: "Tolerated"; PolyPhen-2: "Possibly Damaging"; Align-GVGD: "Class C0"). In summary, the available evidence is currently insufficient to determine the role of this variant in disease. Therefore, it has been classified as a Variant of Uncertain Significance.